The following is an entry in ClinVar:

ClinVar aggregate classification (germline): Conflicting classifications of pathogenicity. Review status: criteria provided, conflicting classifications (1 of 4 stars). 4 submissions from 4 submitters: Uncertain significance (2); Likely benign (2). Last evaluated 2026-07-02.

Conditions:
FGFR3-related disorder. Also called: FGFR3-related disorders.
Achondroplasia (ACH). Also called: Achondroplastic dwarfism. Identifiers: Orphanet 15, MedGen C0001080, MONDO:0007037, OMIM 100800. Disease mechanism: gain of function.

Allele frequency attached by ClinVar (database versions not stated): TOPMed 0.00004; gnomAD 0.00005 and 0.00006; gnomAD exomes 0.00006; ExAC 0.00014.
gnomAD v4.1: 95 of 1,556,814 alleles (0.0061%); highest among the groups gnomAD compares: Non-Finnish European, 0.0077%; no homozygotes.

Submissions (4):

PreventionGenetics, part of Exact Sciences
Classification: Uncertain significance for FGFR3-related condition. Last evaluated: 2026-07-02. Review status: criteria provided, single submitter. Criteria: ACMG Guidelines, 2015. Collection method: clinical testing. Allele origin: germline.
Comment: The FGFR3 c.473G>A variant is predicted to result in the amino acid substitution p.Arg158Gln. This variant has been reported in an individual with achondroplasia (Supplemental Table 2, Alfares et al. 2017. PubMed ID: 28454995) and in an individual with dysplastic ridged nails, joint laxity, spondylolisthesis, and arthritis (Tables S3A and S4A, Salfati et al. 2019. PubMed ID: 31847883). It has also been reported to occur de novo in a fetus with severe scoliosis and short femur (Omarmeli et al. 2023. doi: 10.47829/ACMCR.2023.101903). This variant is reported in 0.011% of alleles in individuals of European (non-Finnish) descent in gnomAD, which is higher than expected for a pathogenic variant in FGFR3. It has conflicting classifications in Clinvar, ranging from likely benign to uncertain (Variation ID: 1680012). At this time, the clinical significance of this variant is uncertain due to the absence of conclusive functional and genetic evidence.

Labcorp Genetics (formerly Invitae), Labcorp
Classification: Uncertain significance. Last evaluated: 2026-01-21. Review status: criteria provided, single submitter. Criteria: Invitae Variant Classification Sherloc (09022015). Collection method: clinical testing. Allele origin: germline.
Comment: This sequence change replaces arginine, which is basic and polar, with glutamine, which is neutral and polar, at codon 158 of the FGFR3 protein (p.Arg158Gln). This variant is present in population databases (rs745863884, gnomAD 0.01%), and has an allele count higher than expected for a pathogenic variant. This missense change has been observed in individual(s) with clinical features of Achondroplasia (PMID: 28454995). ClinVar contains an entry for this variant (Variation ID: 1680012). Invitae Evidence Modeling of protein sequence and biophysical properties (such as structural, functional, and spatial information, amino acid conservation, physicochemical variation, residue mobility, and thermodynamic stability) indicates that this missense variant is not expected to disrupt FGFR3 protein function with a negative predictive value of 80%. In summary, the available evidence is currently insufficient to determine the role of this variant in disease. Therefore, it has been classified as a Variant of Uncertain Significance.

Blueprint Genetics
Classification: Likely benign. Last evaluated: 2024-10-31. Review status: criteria provided, single submitter. Criteria: ACMG Guidelines, 2015. Collection method: clinical testing. Allele origin: germline.

Genomic Medicine Center of Excellence, King Faisal Specialist Hospital and Research Centre
Classification: Likely benign for Achondroplasia. Last evaluated: 2024-03-26. Review status: criteria provided, single submitter. Criteria: ACMG Guidelines, 2015. Collection method: clinical testing. Allele origin: germline.

Literature cited by the submitters: PubMed 28454995 (cited by Labcorp Genetics (formerly Invitae), Labcorp).

NM_000142.5(FGFR3):c.473G>A (p.Arg158Gln)

Gene: FGFR3 (fibroblast growth factor receptor 3; plus strand). Cytogenetic location: 4p16.3.
Variant type: single nucleotide variant.
Coding change: c.473G>A on transcript NM_000142.5 (MANE Select); coding-DNA position 473, G replaced by A.
Protein change: p.Arg158Gln; replaces arginine 158 with glutamine.
Molecular consequence: missense variant. On other transcripts: non-coding transcript variant (1).
Genome position (GRCh38, 1-based): chr4:1,801,394, G>A. VCF-style: chr4-1801394-G-A. GRCh37 (hg19) VCF-style: chr4-1803121-G-A.
Other names: c.473G>A, p.Arg158Gln (NM_001163213.2, NM_001354809.2, NM_001354810.2 and 1 more transcripts); c.473G>A (NM_001163213.1, NM_000142.4); short protein forms R158Q.
Identifiers: ClinVar variation 1680012 (VCV001680012.12), dbSNP rs745863884, ClinGen allele CA2809858.
Genomic context (GRCh38, chr4:1,801,394, plus strand): 5'-GGTCATGGCCTTCACACGCACCTCGGCCCGCAGGGGCCCCTTACTGGACACGGCCCGAGC[G>A]GATGGACAAGAAGCTGCTGGCCGTGCCGGCCGCCAACACCGTCCGCTTCCGCTGCCCAGC-3'
Protein context (NP_000133.1, residues 148-168): TGAPYWTRPE[Arg158Gln]MDKKLLAVPA